The following is an entry in ClinVar:

NC_000010.10:g.(?_48370533)_(48390877_?)del

Genes: RBP3 (retinol binding protein 3; plus strand), ZNF488 (zinc finger protein 488; minus strand). Cytogenetic location: 10q11.22.
Variant type: Deletion.
Identifiers: ClinVar variation 832124 (VCV000832124.1).

ClinVar aggregate classification (germline): Pathogenic (1 of 4 stars; one submission).

Submission:

Labcorp Genetics (formerly Invitae), Labcorp
Classification: Pathogenic. Last evaluated: 2019-10-03. Review status: criteria provided, single submitter. Criteria: Invitae Variant Classification Sherloc (09022015). Collection method: clinical testing. Allele origin: germline.
Comment: A gross deletion of the genomic region encompassing the full coding sequence of the RBP3 gene has been identified. The boundaries of this event are unknown as the deletion extends beyond the assayed region for this gene and therefore may encompass additional genes. This variant has not been reported in the literature in individuals with RBP3-related conditions. Loss-of-function variants in RBP3 are known to be pathogenic (PMID: 9614228, 23105016, 25766589). For these reasons, this variant has been classified as Pathogenic.